The following is an entry in ClinVar:

NM_144687.4(NLRP12):c.2072+2dup

Gene: NLRP12 (NLR family pyrin domain containing 12; minus strand). Cytogenetic location: 19q13.42.
Variant type: Duplication.
Coding change: c.2072+2dup on transcript NM_144687.4 (MANE Select); the canonical splice donor site of the intron after coding-DNA position 2072, one base duplicated (T; older notation c.2072+2dupT).
Molecular consequence: splice donor variant.
Genome position (GRCh38, 1-based): chr19:53,809,585, A duplicated on the plus strand (T on the coding strand, the reverse complement: NLRP12 is on the minus strand). VCF-style (leftmost placement, unchanged base first): chr19-53809584-T-TA. GRCh37 (hg19) VCF-style: chr19-54312838-T-TA.
Other names: c.2072+2dup (NM_001277129.1, NM_001277126.2); c.2072+2dupT (NM_144687.3).
Identifiers: ClinVar variation 1597 (VCV000001597.45), dbSNP rs104895565, ClinGen allele CA210482.

ClinVar aggregate classification (germline): Conflicting classifications of pathogenicity. Review status: criteria provided, conflicting classifications (1 of 4 stars). 8 submissions from 8 submitters: Likely pathogenic (1); Uncertain significance (4); Likely benign (1). 2 of the submissions do not count toward it. Last evaluated 2026-09-22.

Conditions:
NLRP12-related disorder. Also called: NLRP12-related conditions; NLRP12-related condition.
Autoinflammatory syndrome. Identifiers: Orphanet 93665, MedGen C3890737, MONDO:0019751.
Familial cold autoinflammatory syndrome 2 (FCAS2). Identifiers: Orphanet 247868, MedGen C2673198, MONDO:0012724, OMIM 611762.

Allele frequency attached by ClinVar (database versions not stated): ESP Exome Variant Server 0.00024.

Submissions (8):

PreventionGenetics, part of Exact Sciences
Classification: Uncertain significance for NLRP12-related condition. Last evaluated: 2026-09-22. Review status: criteria provided, single submitter. Criteria: ACMG Guidelines, 2015. Collection method: clinical testing. Allele origin: germline.
Comment: The NLRP12 c.2072+2dupT variant is predicted to result in an intronic duplication. This variant has been reported in two unrelated patients with periodic fever syndrome (PFS) (Family 2, Jeru et al. 2008. PubMed ID: 18230725; Wang et al. 2019. PubMed ID: 31820221). In both cases, the variant was inherited from a mildly affected and an asymptomatic father, respectively. Splicing studies showed that this variant activates a cryptic splice site within exon 3, resulting in a frameshift and premature stop codon (Jeru et al. 2008. PubMed ID: 18230725). This variant is reported in 0.078% of alleles in individuals of African descent in gnomAD and has conflicting interpretations in ClinVar, ranging from likely benign to uncertain to pathogenic (Variation ID: 1597). Although we suspect that this variant may be pathogenic, at this time, the clinical significance of this variant is uncertain due to the absence of conclusive functional and genetic evidence.

Labcorp Genetics (formerly Invitae), Labcorp
Classification: Uncertain significance for Familial cold autoinflammatory syndrome 2. Last evaluated: 2025-12-17. Review status: criteria provided, single submitter. Criteria: Invitae Variant Classification Sherloc (09022015). Collection method: clinical testing. Allele origin: germline.
Comment: This sequence change falls in intron 3 of the NLRP12 gene. It does not directly change the encoded amino acid sequence of the NLRP12 protein. It affects a nucleotide within the consensus splice site. This variant is present in population databases (rs104895565, gnomAD 0.07%), and has an allele count higher than expected for a pathogenic variant. This variant has been observed in individual(s) with clinical features of familial cold autoinflammatory syndrome (PMID: 18230725, 31820221). This variant is also known as NALP12 c.2072+3insT. ClinVar contains an entry for this variant (Variation ID: 1597). Variants that disrupt the consensus splice site are a relatively common cause of aberrant splicing (PMID: 17576681, 9536098). Studies have shown that this variant alters mRNA splicing and is expected to lead to the loss of protein expression (PMID: 18230725). In summary, the available evidence is currently insufficient to determine the role of this variant in disease. Therefore, it has been classified as a Variant of Uncertain Significance.

Blueprint Genetics
Classification: Uncertain significance. Last evaluated: 2024-11-13. Review status: criteria provided, single submitter. Criteria: ACMG Guidelines, 2015. Collection method: clinical testing. Allele origin: germline.

CeGaT Center for Human Genetics Tuebingen
Classification: Likely benign. Last evaluated: 2022-10-01. Review status: criteria provided, single submitter. Criteria: CeGaT Center For Human Genetics Tuebingen Variant Classification Criteria Version 2. Collection method: clinical testing. Allele origin: germline. Affected: yes. Observed: 1 variant allele.
Comment: NLRP12: PP3, PS3:Supporting, BS1

Mayo Clinic Laboratories, Mayo Clinic
Classification: Uncertain significance. Last evaluated: 2021-03-30. Review status: criteria provided, single submitter. Criteria: ACMG Guidelines, 2015. Collection method: clinical testing. Allele origin: germline.

Genome Diagnostics Laboratory, The Hospital for Sick Children
Classification: Likely pathogenic for Autoinflammatory syndrome. Last evaluated: 2018-12-01. Review status: criteria provided, single submitter. Criteria: ACMG Guidelines, 2015. Collection method: clinical testing. Allele origin: germline. Affected: yes.

OMIM
Classification: Pathogenic for FAMILIAL COLD AUTOINFLAMMATORY SYNDROME 2. Last evaluated: 2008-02-05. Review status: no assertion criteria provided. Collection method: literature only. Allele origin: germline. Not counted in ClinVar's aggregate classification.

Unité médicale des maladies autoinflammatoires, CHRU Montpellier
No classification provided. Review status: no classification provided. Collection method: not provided. Allele origin: unknown. Not counted in ClinVar's aggregate classification.

Literature cited by the submitters: PubMed 18230725 (cited by Labcorp Genetics (formerly Invitae), Labcorp and OMIM); PubMed 31820221 (cited by Labcorp Genetics (formerly Invitae), Labcorp); PubMed 17576681 (cited by Labcorp Genetics (formerly Invitae), Labcorp); PubMed 9536098 (cited by Labcorp Genetics (formerly Invitae), Labcorp); PubMed 27314497 (cited by OMIM).